The following is an entry in ClinVar:

NM_000051.4(ATM):c.6178C>G (p.Arg2060Gly)

Genes: ATM (ATM serine/threonine kinase; plus strand), C11orf65 (chromosome 11 open reading frame 65; minus strand). Cytogenetic location: 11q22.3.
Variant type: single nucleotide variant.
Coding change: c.6178C>G on transcript NM_000051.4 (MANE Select); coding-DNA position 6178, C replaced by G.
Protein change: p.Arg2060Gly; replaces arginine 2060 with glycine.
Molecular consequence: missense variant. On other transcripts: intron variant (2).
Genome position (GRCh38, 1-based): chr11:108,316,093, C>G. VCF-style: chr11-108316093-C-G. GRCh37 (hg19) VCF-style: chr11-108186820-C-G.
Other names: c.6178C>G, p.Arg2060Gly (NM_001351834.2); c.641-7022G>C (NM_001330368.2); c.*39-7022G>C (NM_001351110.2); short protein forms R2060G.
Identifiers: ClinVar variation 1752031 (VCV001752031.4), dbSNP rs587778078, ClinGen allele CA382550713.
Genomic context (GRCh38, chr11:108,316,093, plus strand): 5'-GCAATGTGGGGCAAAGCCCTAGTAACATATGACCTCGAAACAGCAATCCCCTCATCAACA[C>G]GCCAGGCAGGAATCATTCAGGTACATTTTTTCCCAGATTTGGTAAAGCCATCACTAGTGT-3'
Protein context (NP_000042.3, residues 2050-2070): DLETAIPSST[Arg2060Gly]QAGIIQALQN

ClinVar aggregate classification (germline): Uncertain significance. Review status: criteria provided, multiple submitters, no conflicts (2 of 4 stars). 2 submissions from 2 submitters: Uncertain significance (2). Last evaluated 2024-04-24.

Conditions:
Hereditary cancer-predisposing syndrome. Also called: Hereditary neoplastic syndrome; Neoplastic Syndromes, Hereditary; Tumor predisposition; Hereditary Cancer Syndrome. Identifiers: Orphanet 140162, MedGen C0027672, MeSH D009386, MONDO:0015356.
Ataxia-telangiectasia syndrome (AT). Also called: Ataxia telangiectasia (A-T); LOUIS-BAR SYNDROME; Cerebello-oculocutaneous telangiectasia; Immunodeficiency with ataxia telangiectasia; Ataxia-telangiectasia, complementation group D; AT, COMPLEMENTATION GROUP C. Identifiers: Orphanet 100, MedGen C0004135, MONDO:0008840, OMIM 208900.

Submissions (2):

Labcorp Genetics (formerly Invitae), Labcorp
Classification: Uncertain significance for Ataxia-telangiectasia syndrome. Last evaluated: 2024-04-24. Review status: criteria provided, single submitter. Criteria: Invitae Variant Classification Sherloc (09022015). Collection method: clinical testing. Allele origin: germline.
Comment: This sequence change replaces arginine, which is basic and polar, with glycine, which is neutral and non-polar, at codon 2060 of the ATM protein (p.Arg2060Gly). This variant is not present in population databases (gnomAD no frequency). This variant has not been reported in the literature in individuals affected with ATM-related conditions. ClinVar contains an entry for this variant (Variation ID: 1752031). An algorithm developed to predict the effect of missense changes on protein structure and function (PolyPhen-2) suggests that this variant is likely to be tolerated. In summary, the available evidence is currently insufficient to determine the role of this variant in disease. Therefore, it has been classified as a Variant of Uncertain Significance.

Ambry Genetics
Classification: Uncertain significance for Hereditary cancer-predisposing syndrome. Last evaluated: 2022-10-14. Review status: criteria provided, single submitter. Criteria: Ambry Variant Classification Scheme 2023. Collection method: clinical testing. Allele origin: germline.
Comment: The p.R2060G variant (also known as c.6178C>G), located in coding exon 41 of the ATM gene, results from a C to G substitution at nucleotide position 6178. The arginine at codon 2060 is replaced by glycine, an amino acid with dissimilar properties. This amino acid position is conserved. In addition, the in silico prediction for this alteration is inconclusive. Since supporting evidence is limited at this time, the clinical significance of this alteration remains unclear.